The following is an entry in ClinVar:

ClinVar aggregate classification (germline): Uncertain significance (1 of 4 stars; one submission).

Allele frequency attached by ClinVar (database versions not stated): gnomAD exomes below 0.00001.
gnomAD v4.1: 3 of 1,210,519 alleles (0.00025%); highest among the groups gnomAD compares: Non-Finnish European, 0.00022%; no homozygotes.

Submission:

Labcorp Genetics (formerly Invitae), Labcorp
Classification: Uncertain significance. Last evaluated: 2022-09-26. Review status: criteria provided, single submitter. Criteria: Invitae Variant Classification Sherloc (09022015). Collection method: clinical testing. Allele origin: germline.
Comment: In summary, the available evidence is currently insufficient to determine the role of this variant in disease. Therefore, it has been classified as a Variant of Uncertain Significance. This sequence change replaces alanine, which is neutral and non-polar, with serine, which is neutral and polar, at codon 838 of the GRIA3 protein (p.Ala838Ser). This variant is not present in population databases (gnomAD no frequency). This variant has not been reported in the literature in individuals affected with GRIA3-related conditions. Advanced modeling of protein sequence and biophysical properties (such as structural, functional, and spatial information, amino acid conservation, physicochemical variation, residue mobility, and thermodynamic stability) performed at Invitae indicates that this missense variant is not expected to disrupt GRIA3 protein function.

NM_007325.5(GRIA3):c.2512G>T (p.Ala838Ser)

Gene: GRIA3 (glutamate ionotropic receptor AMPA type subunit 3; plus strand). Cytogenetic location: Xq25.
Variant type: single nucleotide variant.
Coding change: c.2512G>T on transcript NM_007325.5 (MANE Select); coding-DNA position 2512, G replaced by T.
Protein change: p.Ala838Ser; replaces alanine 838 with serine.
Molecular consequence: missense variant.
Genome position (GRCh38, 1-based): chrX:123,482,871, G>T. VCF-style: chrX-123482871-G-T. GRCh37 (hg19) VCF-style: chrX-122616722-G-T.
Other names: c.2512G>T, p.Ala838Ser (NM_000828.5); short protein forms A838S.
Identifiers: ClinVar variation 1718154 (VCV001718154.5), dbSNP rs2521368245, ClinGen allele CA414255909.